The following is an entry in ClinVar:

ClinVar aggregate classification (germline): Pathogenic. Review status: criteria provided, multiple submitters, no conflicts (2 of 4 stars). 3 submissions from 3 submitters: Pathogenic (3). Last evaluated 2025-09-08.

Conditions:
Autosomal recessive limb-girdle muscular dystrophy type 2A (LGMDR1). Also called: LEYDEN-MOEBIUS MUSCULAR DYSTROPHY; MUSCULAR DYSTROPHY, PELVOFEMORAL; Limb-girdle muscular dystrophy, type 2A; Calpainopathy; Muscular dystrophy, limb-girdle, type 2A, Amish. Identifiers: Orphanet 267, MedGen C1869123, MONDO:0009675, OMIM 253600. Disease mechanism: loss of function.

gnomAD v4.1: 2 of 1,607,854 alleles (0.00012%); highest among the groups gnomAD compares: Non-Finnish European, 0.00017%; no homozygotes.

Submissions (3):

Natera, Inc.
Classification: Pathogenic for Limb-girdle muscular dystrophy type 2A. Last evaluated: 2025-09-08. Review status: criteria provided, single submitter. Criteria: Natera Variant Classification Schema (03/2026). Collection method: clinical testing. Allele origin: germline.
Comment: The c.2380+1G>A variant in CAPN3 is a canonical splice donor site variant predicted to affect pre-mRNA splicing, which may result in an abnormal transcript and altered protein product. This variant is expected to result in nonsense mediated decay, truncation, or a dysfunctional protein product. This variant is rare in the general population with a frequency below the threshold expected for the associated phenotype(s). This variant has been observed in one or more individuals affected with the associated recessive disease, as either homozygous or compound heterozygous with a second variant (PMID: 31788660, 39678382). Another variant at this same site results in an alteration predicted to cause a similar molecular effect has been observed in individual(s) with the associated phenotype. Given the available evidence, this variant is classified as Pathogenic.

Myriad Genetics, Inc.
Classification: Pathogenic for Autosomal recessive limb-girdle muscular dystrophy type 2A. Last evaluated: 2025-03-24. Review status: criteria provided, single submitter. Criteria: Myriad Autosomal Dominant, Autosomal Recessive and X-Linked Classification Criteria (2023). Collection method: clinical testing. Allele origin: unknown.
Comment: NM_000070.2(CAPN3):c.2380+1G>A is a variant in a canonical splice site classified as pathogenic in the context of calpainopathy. c.2380+1G>A has been observed in a case with relevant disease (PMID: 31788660). Relevant functional assessments of this variant are not available in the literature. c.2380+1G>A has not been observed in referenced population frequency databases. In summary, NM_000070.2(CAPN3):c.2380+1G>A is a variant in a canonical splice site that has been observed more frequently in cases with the relevant disease than in healthy populations. Please note: this variant was assessed in the context of healthy population screening.

Labcorp Genetics (formerly Invitae), Labcorp
Classification: Pathogenic for Autosomal recessive limb-girdle muscular dystrophy type 2A. Last evaluated: 2022-10-28. Review status: criteria provided, single submitter. Criteria: Invitae Variant Classification Sherloc (09022015). Collection method: clinical testing. Allele origin: germline.
Comment: For these reasons, this variant has been classified as Pathogenic. Algorithms developed to predict the effect of sequence changes on RNA splicing suggest that this variant may disrupt the consensus splice site. ClinVar contains an entry for this variant (Variation ID: 1067511). Disruption of this splice site has been observed in individuals with autosomal recessive limb-girdle muscular dystrophy (PMID: 17994539, 18055493, 30056071). This variant is not present in population databases (gnomAD no frequency). This sequence change affects a donor splice site in intron 22 of the CAPN3 gene. It is expected to disrupt RNA splicing. Variants that disrupt the donor or acceptor splice site typically lead to a loss of protein function (PMID: 16199547), and loss-of-function variants in CAPN3 are known to be pathogenic (PMID: 10330340, 15689361).

Literature cited by the submitters: PubMed 31788660 (cited by Natera, Inc. and Myriad Genetics, Inc.); PubMed 39678382 (cited by Natera, Inc.); PubMed 17994539 (cited by Labcorp Genetics (formerly Invitae), Labcorp); PubMed 18055493 (cited by Labcorp Genetics (formerly Invitae), Labcorp); PubMed 30056071 (cited by Labcorp Genetics (formerly Invitae), Labcorp); PubMed 16199547 (cited by Labcorp Genetics (formerly Invitae), Labcorp); PubMed 10330340 (cited by Labcorp Genetics (formerly Invitae), Labcorp); PubMed 15689361 (cited by Labcorp Genetics (formerly Invitae), Labcorp).

NM_000070.3(CAPN3):c.2380+1G>A

Gene: CAPN3 (calpain 3; plus strand). Cytogenetic location: 15q15.1.
Variant type: single nucleotide variant.
Coding change: c.2380+1G>A on transcript NM_000070.3 (MANE Select); the canonical splice donor site of the intron after coding-DNA position 2380, G replaced by A.
Molecular consequence: splice donor variant.
Genome position (GRCh38, 1-based): chr15:42,411,001, G>A. VCF-style: chr15-42411001-G-A. GRCh37 (hg19) VCF-style: chr15-42703199-G-A.
Other names: c.2362+1G>A (NM_024344.2); c.2104+1G>A (NM_173087.2); c.844+1G>A (NM_173088.2); c.385+1G>A (NM_173090.2, NM_173089.2); c.2380+1G>A (NM_000070.2).
Identifiers: ClinVar variation 1067511 (VCV001067511.15), dbSNP rs1555423222, ClinGen allele CA392002216.